The following is an entry in ClinVar:

ClinVar aggregate classification (germline): Uncertain significance (1 of 4 stars; one submission).

Conditions:
Glutathione synthetase deficiency with 5-oxoprolinuria. Also called: Gluthathione synthetase deficiency; 5-OXOPROLINURIA DUE TO GLUTATHIONE SYNTHETASE DEFICIENCY; Reduced glutathione synthetase level; PYROGLUTAMIC ACIDURIA; 5-Oxoprolinuria. Identifiers: Orphanet 289846, MedGen C0398746, MONDO:0009947, OMIM 266130, HP:0003343.

Submission:

Labcorp Genetics (formerly Invitae), Labcorp
Classification: Uncertain significance for Glutathione synthetase deficiency with 5-oxoprolinuria. Last evaluated: 2020-07-07. Review status: criteria provided, single submitter. Criteria: Invitae Variant Classification Sherloc (09022015). Collection method: clinical testing. Allele origin: germline.
Comment: In summary, the available evidence is currently insufficient to determine the role of this variant in disease. Therefore, it has been classified as a Variant of Uncertain Significance. This variant has not been reported in the literature in individuals with GSS-related conditions. This variant is not present in population databases (ExAC no frequency). This sequence change results in a frameshift in the GSS gene (p.Lys437Aspfs*57). While this is not anticipated to result in nonsense mediated decay, it is expected to disrupt the last 38 amino acids of the GSS protein and extend the protein by an additional 18 amino acids.

NM_000178.4(GSS):c.1309_1310del (p.Lys437fs)

Gene: GSS (glutathione synthetase; minus strand). Cytogenetic location: 20q11.22.
Variant type: Deletion.
Coding change: c.1309_1310del on transcript NM_000178.4 (MANE Select); coding-DNA positions 1309 to 1310, 2 bases deleted (AA; older notation c.1309_1310delAA).
Protein change: p.Lys437fs; shifts the reading frame from lysine 437.
Molecular consequence: frameshift variant.
Genome position (GRCh38, 1-based): chr20:34,928,943-34,928,944, TT deleted on the plus strand (AA on the coding strand, the reverse complement: GSS is on the minus strand); deleting any 2 consecutive bases within chr20:34,928,943-34,928,946 gives the same sequence; the c. name uses the placement nearest the transcript's 3' end. VCF-style (leftmost placement, unchanged base first): chr20-34928942-CTT-C. GRCh37 (hg19) VCF-style: chr20-33516745-CTT-C.
Other names: c.1309_1310del, p.Lys437fs (NM_001322494.1, NM_001322495.1); short protein forms K437fs.
Identifiers: ClinVar variation 1027232 (VCV001027232.6), dbSNP rs2081375033, ClinGen allele CA2361421755.